The following is an entry in ClinVar:

ClinVar aggregate classification (germline): Conflicting classifications of pathogenicity. Review status: criteria provided, conflicting classifications (1 of 4 stars). 2 submissions from 2 submitters: Uncertain significance (1); Likely benign (1). Last evaluated 2025-06-04.

Conditions:
Inborn genetic diseases. Identifiers: MedGen C0950123, MeSH D030342.

Allele frequency attached by ClinVar (database versions not stated): gnomAD 0.00003; ExAC 0.00004; gnomAD exomes 0.00005; TOPMed 0.00006.
gnomAD v4.1: 75 of 1,613,806 alleles (0.0046%); highest among the groups gnomAD compares: African/African-American, 0.012%; no homozygotes.

Submissions (2):

Ambry Genetics
Classification: Uncertain significance for Inborn genetic diseases. Last evaluated: 2025-06-04. Review status: criteria provided, single submitter. Criteria: Ambry Variant Classification Scheme 2023. Collection method: clinical testing. Allele origin: germline.

CeGaT Center for Human Genetics Tuebingen
Classification: Likely benign. Last evaluated: 2023-10-01. Review status: criteria provided, single submitter. Criteria: CeGaT Center For Human Genetics Tuebingen Variant Classification Criteria Version 2. Collection method: clinical testing. Allele origin: germline. Affected: yes. Observed: 1 variant allele.
Comment: FAT1: BP4

NM_005245.4(FAT1):c.3785G>A (p.Arg1262Gln)

Gene: FAT1 (FAT atypical cadherin 1; minus strand). Cytogenetic location: 4q35.2.
Variant type: single nucleotide variant.
Coding change: c.3785G>A on transcript NM_005245.4 (MANE Select); coding-DNA position 3785, G replaced by A.
Protein change: p.Arg1262Gln; replaces arginine 1262 with glutamine.
Molecular consequence: missense variant.
Genome position (GRCh38, 1-based): chr4:186,636,772, C>T on the plus strand (G>A on the coding strand, the complement: FAT1 is on the minus strand). VCF-style: chr4-186636772-C-T. GRCh37 (hg19) VCF-style: chr4-187557926-C-T.
Other names: short protein forms R1262Q.
Identifiers: ClinVar variation 2219622 (VCV002219622.26), dbSNP rs775228629, ClinGen allele CA3166910.